The following is an entry in ClinVar:

ClinVar aggregate classification (germline): Uncertain significance. Review status: criteria provided, multiple submitters, no conflicts (2 of 4 stars). 3 submissions from 3 submitters: Uncertain significance (3). Last evaluated 2024-10-24.

Conditions:
CK syndrome. Also called: MENTAL RETARDATION, X-LINKED, WITH THIN BODY HABITUS AND CORTICAL MALFORMATION. Identifiers: Orphanet 251383, MedGen C3151781, MONDO:0010441, OMIM 300831.
Child syndrome. Also called: CHILD (Congenital Hemidysplasia with Ichthyosiform Nevus and Limb Defects) Syndrome. Identifiers: Orphanet 139, MedGen C0265267, MONDO:0010621, OMIM 308050.

Allele frequency attached by ClinVar (database versions not stated): ExAC 0.00001; gnomAD exomes 0.00001.
gnomAD v4.1: 16 of 1,212,487 alleles (0.0013%); highest among the groups gnomAD compares: Non-Finnish European, 0.0016%; no homozygotes.

Submissions (3):

Labcorp Genetics (formerly Invitae), Labcorp
Classification: Uncertain significance. Last evaluated: 2024-10-24. Review status: criteria provided, single submitter. Criteria: Invitae Variant Classification Sherloc (09022015). Collection method: clinical testing. Allele origin: germline.
Comment: This sequence change replaces proline, which is neutral and non-polar, with serine, which is neutral and polar, at codon 189 of the NSDHL protein (p.Pro189Ser). This variant is present in population databases (rs782376691, gnomAD 0.002%), including at least one homozygous and/or hemizygous individual. This variant has not been reported in the literature in individuals affected with NSDHL-related conditions. ClinVar contains an entry for this variant (Variation ID: 436069). An algorithm developed to predict the effect of missense changes on protein structure and function (PolyPhen-2) suggests that this variant is likely to be tolerated. In summary, the available evidence is currently insufficient to determine the role of this variant in disease. Therefore, it has been classified as a Variant of Uncertain Significance.

Fulgent Genetics
Classification: Uncertain significance for CK syndrome; Child syndrome. Last evaluated: 2024-02-07. Review status: criteria provided, single submitter. Criteria: ACMG Guidelines, 2015. Collection method: clinical testing. Allele origin: germline.

Genetic Services Laboratory, University of Chicago
Classification: Uncertain significance. Last evaluated: 2015-10-23. Review status: criteria provided, single submitter. Criteria: ACMG Guidelines, 2015. Collection method: clinical testing. Allele origin: germline. Affected: no.

NM_015922.3(NSDHL):c.565C>T (p.Pro189Ser)

Gene: NSDHL (NAD(P) dependent 3-beta-hydroxysteroid dehydrogenase NSDHL; plus strand). Cytogenetic location: Xq28.
Variant type: single nucleotide variant.
Coding change: c.565C>T on transcript NM_015922.3 (MANE Select); coding-DNA position 565, C replaced by T.
Protein change: p.Pro189Ser; replaces proline 189 with serine.
Molecular consequence: missense variant.
Genome position (GRCh38, 1-based): chrX:152,865,840, C>T. VCF-style: chrX-152865840-C-T. GRCh37 (hg19) VCF-style: chrX-152034384-C-T.
Other names: c.565C>T, p.Pro189Ser (NM_001129765.2); short protein forms P189S.
Identifiers: ClinVar variation 436069 (VCV000436069.10), dbSNP rs782376691, ClinGen allele CA10544795.